The following is an entry in ClinVar:

NM_212482.4(FN1):c.1490C>T (p.Thr497Met)

Gene: FN1 (fibronectin 1; minus strand). Cytogenetic location: 2q35.
Variant type: single nucleotide variant.
Coding change: c.1490C>T on transcript NM_212482.4 (MANE Select); coding-DNA position 1490, C replaced by T.
Protein change: p.Thr497Met; replaces threonine 497 with methionine.
Molecular consequence: missense variant.
Genome position (GRCh38, 1-based): chr2:215,422,147, G>A on the plus strand (C>T on the coding strand, the complement: FN1 is on the minus strand). VCF-style: chr2-215422147-G-A. GRCh37 (hg19) VCF-style: chr2-216286870-G-A.
Other names: c.1490C>T, p.Thr497Met (NM_001306129.2, NM_001306130.2, NM_001306131.2 and 14 more transcripts); short protein forms T497M.
Identifiers: ClinVar variation 2969872 (VCV002969872.3), dbSNP rs746455929, ClinGen allele CA2095276.

ClinVar aggregate classification (germline): Uncertain significance (1 of 4 stars; one submission).

Allele frequency attached by ClinVar (database versions not stated): gnomAD exomes below 0.00001; TOPMed 0.00001; ExAC 0.00002.
gnomAD v4.1: 4 of 1,614,050 alleles (0.00025%); highest among the groups gnomAD compares: South Asian, 0.0022%; no homozygotes.

Submission:

Labcorp Genetics (formerly Invitae), Labcorp
Classification: Uncertain significance. Last evaluated: 2023-08-04. Review status: criteria provided, single submitter. Criteria: Invitae Variant Classification Sherloc (09022015). Collection method: clinical testing. Allele origin: germline.
Comment: This sequence change replaces threonine, which is neutral and polar, with methionine, which is neutral and non-polar, at codon 497 of the FN1 protein (p.Thr497Met). This variant is present in population databases (rs746455929, gnomAD 0.006%). This variant has not been reported in the literature in individuals affected with FN1-related conditions. Advanced modeling of protein sequence and biophysical properties (such as structural, functional, and spatial information, amino acid conservation, physicochemical variation, residue mobility, and thermodynamic stability) has been performed at Invitae for this missense variant, however the output from this modeling did not meet the statistical confidence thresholds required to predict the impact of this variant on FN1 protein function. Algorithms developed to predict the effect of sequence changes on RNA splicing suggest that this variant may create or strengthen a splice site. In summary, the available evidence is currently insufficient to determine the role of this variant in disease. Therefore, it has been classified as a Variant of Uncertain Significance.